The following is an entry in ClinVar:

ClinVar aggregate classification (germline): Benign/Likely benign. Review status: criteria provided, multiple submitters, no conflicts (2 of 4 stars). 7 submissions from 7 submitters: Benign (2); Likely benign (5). Last evaluated 2026-07-01.

Conditions:
TRPV4-related disorder. Also called: TRPV4-related condition; TRPV4-related disorders.
Inborn genetic diseases. Identifiers: MedGen C0950123, MeSH D030342.
Charcot-Marie-Tooth disease axonal type 2C (HMSN2C). Also called: Charcot-Marie-Tooth Disease Type 2, TRPV4-Related (CMT2C); CHARCOT-MARIE-TOOTH DISEASE, AXONAL, AUTOSOMAL DOMINANT, TYPE 2C; Charcot-Marie-Tooth Neuropathy Type 2C. Identifiers: Orphanet 99937, MedGen C1853710, MONDO:0011633, OMIM 606071.

Allele frequency attached by ClinVar (database versions not stated): TOPMed 0.00079; gnomAD exomes 0.00009 and 0.00025; ExAC 0.00031; 1000 Genomes Project 0.00060; gnomAD 0.00093 and 0.00087; 1000 Genomes Project 30x 0.00094; ESP Exome Variant Server 0.00054.
gnomAD v4.1: 272 of 1,614,188 alleles (0.017%); highest among the groups gnomAD compares: African/African-American, 0.27%; no homozygotes.

Submissions (7):

CeGaT Center for Human Genetics Tuebingen
Classification: Likely benign. Last evaluated: 2026-07-01. Review status: criteria provided, single submitter. Criteria: CeGaT Center For Human Genetics Tuebingen Variant Classification Criteria Version 2. Collection method: clinical testing. Allele origin: germline. Affected: yes. Observed: 1 variant allele.
Comment: TRPV4: BP4, BP7

Labcorp Genetics (formerly Invitae), Labcorp
Classification: Benign for Charcot-Marie-Tooth disease axonal type 2C. Last evaluated: 2026-01-20. Review status: criteria provided, single submitter. Criteria: Invitae Variant Classification Sherloc (09022015). Collection method: clinical testing. Allele origin: germline.

PreventionGenetics, part of Exact Sciences
Classification: Likely benign for TRPV4-related condition. Last evaluated: 2025-03-17. Review status: criteria provided, single submitter. Criteria: ACMG Guidelines, 2015. Collection method: clinical testing. Allele origin: germline.
Comment: This variant is classified as likely benign based on ACMG/AMP sequence variant interpretation guidelines (Richards et al. 2015 PMID: 25741868, with internal and published modifications).

ARUP Laboratories, Molecular Genetics and Genomics, ARUP Laboratories
Classification: Likely benign. Last evaluated: 2023-11-06. Review status: criteria provided, single submitter. Criteria: ARUP Molecular Germline Variant Investigation Process 2024. Collection method: clinical testing. Allele origin: germline.

GeneDx
Classification: Benign. Last evaluated: 2020-08-10. Review status: criteria provided, single submitter. Criteria: GeneDx Variant Classification Process June 2021. Collection method: clinical testing. Allele origin: germline. Affected: yes.

Ambry Genetics
Classification: Likely benign for Inborn genetic diseases. Last evaluated: 2019-07-11. Review status: criteria provided, single submitter. Criteria: Ambry Variant Classification Scheme 2023. Collection method: clinical testing. Allele origin: germline.

Eurofins Ntd Llc (ga)
Classification: Likely benign. Last evaluated: 2015-11-09. Review status: criteria provided, single submitter. Criteria: EGL Classification Definitions 2015. Collection method: clinical testing. Allele origin: germline. Observed: 1 variant allele, 1 heterozygote.

NM_021625.5(TRPV4):c.1284G>A (p.Gly428=)

Gene: TRPV4 (transient receptor potential cation channel subfamily V member 4; minus strand). Cytogenetic location: 12q24.11.
Variant type: single nucleotide variant.
Coding change: c.1284G>A on transcript NM_021625.5 (MANE Select); coding-DNA position 1284, G replaced by A.
Protein change: p.Gly428=; no amino-acid change (glycine 428 retained).
Molecular consequence: synonymous variant. On other transcripts: intron variant (2).
Genome position (GRCh38, 1-based): chr12:109,796,573, C>T on the plus strand (G>A on the coding strand, the complement: TRPV4 is on the minus strand). VCF-style: chr12-109796573-C-T. GRCh37 (hg19) VCF-style: chr12-110234378-C-T.
Other names: c.1143G>A, p.Gly381= (NM_001177428.2); c.1182G>A, p.Gly394= (NM_001177431.2); c.1011+2041G>A (NM_001177433.1); c.1152+2041G>A (NM_147204.2).
Identifiers: ClinVar variation 284375 (VCV000284375.27), dbSNP rs150773110, ClinGen allele CA6780296.